The following is an entry in ClinVar:

ClinVar aggregate classification (germline): Pathogenic (1 of 4 stars; one submission).

Conditions:
Duchenne muscular dystrophy (DMD). Also called: MUSCULAR DYSTROPHY, PSEUDOHYPERTROPHIC PROGRESSIVE, DUCHENNE TYPE; Duchenne Muscular Dystrophy (DMD). Identifiers: Orphanet 98896, MedGen C0013264, MONDO:0010679, OMIM 310200.

Submission:

Labcorp Genetics (formerly Invitae), Labcorp
Classification: Pathogenic for Duchenne muscular dystrophy. Last evaluated: 2019-07-26. Review status: criteria provided, single submitter. Criteria: Invitae Variant Classification Sherloc (09022015). Collection method: clinical testing. Allele origin: germline.
Comment: Donor and acceptor splice site variants typically lead to a loss of protein function (PMID: 16199547), and loss-of-function variants in DMD are known to be pathogenic (PMID: 16770791, 25007885). Disruption of this splice site has been observed in several individuals affected with Duchenne or Becker muscular dystrophy (PMID: 27122458, 27593222, 29973226). This variant is not present in population databases (ExAC no frequency). This sequence change affects an acceptor splice site in intron 52 of the DMD gene. It is expected to disrupt RNA splicing and likely results in an absent or disrupted protein product. For these reasons, this variant has been classified as Pathogenic.

Literature cited by the submitters: PubMed 16199547; PubMed 16770791; PubMed 25007885; PubMed 27122458; PubMed 27593222; PubMed 29973226.

NM_004006.3(DMD):c.7661-1G>A

Gene: DMD (dystrophin; minus strand). Cytogenetic location: Xp21.1.
Variant type: single nucleotide variant.
Coding change: c.7661-1G>A on transcript NM_004006.3 (MANE Select); the canonical splice acceptor site of the intron before coding-DNA position 7661, G replaced by A.
Molecular consequence: splice acceptor variant.
Genome position (GRCh38, 1-based): chrX:31,679,587, C>T on the plus strand (G>A on the coding strand, the complement: DMD is on the minus strand). VCF-style: chrX-31679587-C-T. GRCh37 (hg19) VCF-style: chrX-31697704-C-T.
Other names: c.7637-1G>A (NM_000109.4); c.3638-1G>A (NM_004011.4); c.3629-1G>A (NM_004012.4); c.281-1G>A (NM_004023.3, NM_004020.4, NM_004022.3 and 2 more transcripts); c.7649-1G>A (NM_004009.3); c.7292-1G>A (NM_004010.3).
Identifiers: ClinVar variation 953669 (VCV000953669.10), dbSNP rs1556806346, ClinGen allele CA412657031.
Genomic context (GRCh38, chrX:31,679,587, plus strand): 5'-GTTGCCTCCGGTTCTGAAGGTGTTCTTGTACTTCATCCCACTGATTCTGAATTCTTTCAA[C>T]TAGAATAAAAGGAAAAATAAATATATAGTAGTAAATGCTAGTCTGGAGGAGACATTTTAA-3'